The following is an entry in ClinVar:

ClinVar aggregate classification (germline): Uncertain significance (1 of 4 stars; one submission).

Conditions:
Imerslund-Grasbeck syndrome. Also called: Megaloblastic anemia due to inborn errors of metabolism; ENTEROCYTE COBALAMIN MALABSORPTION; ENTEROCYTE INTRINSIC FACTOR RECEPTOR, DEFECT OF; Imerslund-Gräsbeck syndrome; PERNICIOUS ANEMIA, JUVENILE, DUE TO SELECTIVE INTESTINAL MALABSORPTION OF VITAMIN B12, WITH PROTEINURIA. Identifiers: Orphanet 35858, MedGen C4551825, MONDO:0009853.

gnomAD v4.1: 3 of 1,613,818 alleles (0.00019%); highest among the groups gnomAD compares: Non-Finnish European, 0.00025%; no homozygotes.

Submission:

Labcorp Genetics (formerly Invitae), Labcorp
Classification: Uncertain significance for Imerslund-Grasbeck syndrome. Last evaluated: 2022-06-03. Review status: criteria provided, single submitter. Criteria: Invitae Variant Classification Sherloc (09022015). Collection method: clinical testing. Allele origin: germline.
Comment: Algorithms developed to predict the effect of missense changes on protein structure and function (SIFT, PolyPhen-2, Align-GVGD) all suggest that this variant is likely to be tolerated. This sequence change replaces threonine, which is neutral and polar, with isoleucine, which is neutral and non-polar, at codon 3089 of the CUBN protein (p.Thr3089Ile). This variant is not present in population databases (gnomAD no frequency). This variant has not been reported in the literature in individuals affected with CUBN-related conditions. In summary, the available evidence is currently insufficient to determine the role of this variant in disease. Therefore, it has been classified as a Variant of Uncertain Significance.

NM_001081.4(CUBN):c.9266C>T (p.Thr3089Ile)

Gene: CUBN (cubilin; minus strand). Cytogenetic location: 10p13.
Variant type: single nucleotide variant.
Coding change: c.9266C>T on transcript NM_001081.4 (MANE Select); coding-DNA position 9266, C replaced by T.
Protein change: p.Thr3089Ile; replaces threonine 3089 with isoleucine.
Molecular consequence: missense variant.
Genome position (GRCh38, 1-based): chr10:16,869,824, G>A on the plus strand (C>T on the coding strand, the complement: CUBN is on the minus strand). VCF-style: chr10-16869824-G-A. GRCh37 (hg19) VCF-style: chr10-16911823-G-A.
Other names: short protein forms T3089I.
Identifiers: ClinVar variation 2002234 (VCV002002234.4), dbSNP rs1484603511, ClinGen allele CA376128518.